The following is an entry in ClinVar:

NM_012472.6(DNAAF11):c.749G>A (p.Trp250Ter)

Gene: DNAAF11 (dynein axonemal assembly factor 11; minus strand). Cytogenetic location: 8q24.22.
Variant type: single nucleotide variant.
Coding change: c.749G>A on transcript NM_012472.6 (MANE Select); coding-DNA position 749, G replaced by A.
Protein change: p.Trp250Ter; replaces tryptophan 250 with a stop codon.
Molecular consequence: nonsense. On other transcripts: non-coding transcript variant (10).
Genome position (GRCh38, 1-based): chr8:132,625,359, C>T on the plus strand (G>A on the coding strand, the complement: DNAAF11 is on the minus strand). VCF-style: chr8-132625359-C-T. GRCh37 (hg19) VCF-style: chr8-133637605-C-T.
Other names: c.749G>A, p.Trp250Ter (NM_001321961.2); c.503G>A, p.Trp168Ter (NM_001321962.2); c.389G>A, p.Trp130Ter (NM_001321963.2, NM_001321964.2, NM_001321965.2 and 1 more transcripts); short protein forms W250*, W130*, W168*.
Identifiers: ClinVar variation 5007273 (VCV005007273.2).

ClinVar aggregate classification (germline): Pathogenic (1 of 4 stars; one submission).

Conditions:
Primary ciliary dyskinesia 19. Also called: CILIARY DYSKINESIA, PRIMARY, 19, WITH OR WITHOUT SITUS INVERSUS. Identifiers: Orphanet 244, MedGen C3543826, MONDO:0013979, OMIM 614935.

gnomAD v4.1: 1 of 1,613,332 alleles (0.000062%); highest among the groups gnomAD compares: African/African-American, 0.0013%; no homozygotes.

Submission:

Juno Genomics, Hangzhou Juno Genomics, Inc
Classification: Pathogenic for Primary ciliary dyskinesia 19. Review status: criteria provided, single submitter. Criteria: ACMG Guidelines, 2015. Collection method: clinical testing. Allele origin: germline.
Comment: Absent from controls (or at extremely low frequency if recessive) in Genome Aggregation Database.;Null variant in a gene where loss of function (LOF) is a known mechanism of disease.;For recessive disorders, detected in trans with a pathogenic variant.